The following is an entry in ClinVar:

NM_000059.4(BRCA2):c.1096T>G (p.Leu366Val)

Gene: BRCA2 (BRCA2 DNA repair associated; plus strand). Cytogenetic location: 13q13.1.
Variant type: single nucleotide variant.
Coding change: c.1096T>G on transcript NM_000059.4 (MANE Select); coding-DNA position 1096, T replaced by G.
Protein change: p.Leu366Val; replaces leucine 366 with valine.
Molecular consequence: missense variant.
Genome position (GRCh38, 1-based): chr13:32,332,574, T>G. VCF-style: chr13-32332574-T-G. GRCh37 (hg19) VCF-style: chr13-32906711-T-G.
Other names: p.L366V:TTA>GTA; 1324T>G; short protein forms L366V.
Identifiers: ClinVar variation 89040 (VCV000089040.40), dbSNP rs587779357, ClinGen allele CA010792.
Genomic context (GRCh38, chr13:32,332,574, plus strand): 5'-AACCAAGTGAAAGAAAAATACTCATTTGTATCTGAAGTGGAACCAAATGATACTGATCCA[T>G]TAGATTCAAATGTAGCAAATCAGAAGCCCTTTGAGAGTGGAAGTGACAAAATCTCCAAGG-3'
Protein context (NP_000050.3, residues 356-376): SEVEPNDTDP[Leu366Val]DSNVANQKPF

ClinVar aggregate classification (germline): Conflicting classifications of pathogenicity. Review status: criteria provided, conflicting classifications (1 of 4 stars). 16 submissions from 16 submitters: Uncertain significance (7); Benign (1); Likely benign (6). 2 of the submissions do not count toward it. Last evaluated 2025-12-29.

Conditions:
Hereditary breast ovarian cancer syndrome. Also called: Breast and ovarian cancer; Hereditary breast and ovarian cancer; Hereditary breast and ovarian cancer syndrome; BRCA1- and BRCA2-Associated Hereditary Breast and Ovarian Cancer; Hereditary breast and ovarian cancer syndrome (HBOC); Hereditary breast and/or ovarian cancer syndrome. Identifiers: Orphanet 145, MedGen C0677776, MeSH D061325, MONDO:0003582. Disease mechanism: loss of function.
Hepatoblastoma. Identifiers: Orphanet 449, MedGen C0206624, MONDO:0018666, HP:0002884.
Hereditary cancer-predisposing syndrome. Also called: Tumor predisposition; Hereditary Cancer Syndrome; Neoplastic Syndromes, Hereditary; Hereditary neoplastic syndrome. Identifiers: Orphanet 140162, MedGen C0027672, MeSH D009386, MONDO:0015356.
BRCA2-related cancer predisposition. Identifiers: MedGen CN377758, MONDO:0700269.
Breast-ovarian cancer, familial, susceptibility to, 2 (BROVCA2). Also called: BRCA2 Hereditary Breast and Ovarian Cancer. Identifiers: Orphanet 145, MedGen C2675520, MONDO:0012933, OMIM 612555. Disease mechanism: loss of function.

Allele frequency attached by ClinVar (database versions not stated): ExAC 0.00001; gnomAD exomes 0.00001 and 0.00003; TOPMed 0.00004; gnomAD 0.00005 and 0.00006.

Submissions 1 to 8 of 16:

Center for Genomic Medicine, Rigshospitalet, Copenhagen University Hospital
Classification: Likely benign. Last evaluated: 2025-12-29. Review status: criteria provided, single submitter. Criteria: ACMG Guidelines, 2015. Collection method: clinical testing. Allele origin: germline.
Comment: Classification criteria: BP1_Strong

Labcorp Genetics (formerly Invitae), Labcorp
Classification: Likely benign for Hereditary breast ovarian cancer syndrome. Last evaluated: 2025-12-14. Review status: criteria provided, single submitter. Criteria: Invitae Variant Classification Sherloc (09022015). Collection method: clinical testing. Allele origin: germline.

Quest Diagnostics Nichols Institute San Juan Capistrano
Classification: Uncertain significance. Last evaluated: 2025-09-02. Review status: criteria provided, single submitter. Criteria: Quest Diagnostics criteria. Collection method: clinical testing. Allele origin: unknown.
Comment: The BRCA2 c.1096T>G (p.Leu366Val) variant has been reported in individuals with a personal and/or family history of breast cancer (PMID: 15937982 (2005), 24884479 (2014), 35980532 (2022), 35534704 (2022)), ovarian cancer (PMID: 21769658 (2012)), and hepatoblastoma (PMID: 35495172 (2022)). This variant is also identified in reportedly unaffected individuals (PMID: 33471991 (2021), see also LOVD). The frequency of this variant in the general population (Genome Aggregation Database) is uninformative in the assessment of its pathogenicity. Analysis of this variant using bioinformatics tools for the prediction of the effect of amino acid changes on protein structure and function yielded conflicting predictions that this variant is benign or damaging. Based on the available information, we are unable to determine the clinical significance of this variant.

Molecular Diagnostics Laboratory, Catalan Institute of Oncology
Classification: Likely benign for Hereditary cancer-predisposing syndrome. Last evaluated: 2025-07-27. Review status: criteria provided, single submitter. Criteria: ClinGen BRCA1BRCA2 ACMG Specifications BRCA2 V1.0.0. Collection method: clinical testing. Allele origin: germline.
Comment: BP1_Strong c.1096T>G, located in exon 10 of the BRCA2 gene, is predicted to result in the substitution of leucine with valine at codon 366, p.(Leu366Val). This position is outside a (potentially) clinically important functional domain and, moreover, the SpliceAI algorithm predicts no significant impact on splicing (BP1_strong). This variant is found in 7/265877 alleles at a frequency of 0.003% in the gnomAD v2.1.1 database, non-cancer dataset. This variant has been reported in a case-control study, being found in 2 out of 53,461 healthy controls and none of the 60,466 breast cancer (BC) affected patients (PMID: 33471991). It has been reported in multiple BC-affected and unaffected individuals (PMID: 24884479, 21120943, 35534704, and internal data). This variant has been reported in the ClinVar database (1x benign, 4x likely benign, 7x uncertain significance, 1x likely pathogenic), has been reported in the LOVD (1x uncertain significance), and has not been revised by the expert panel in BRCA Exchange database. Based on the currently available information, c.1096T>G is classified as a likely benign variant according to ClinGen ENIGMA BRCA1 and BRCA2 Expert Panel Specifications to the ACMG/AMP Variant Interpretation Guidelines for BRCA2 Version 1.0.0.

Women's Health and Genetics/Laboratory Corporation of America, LabCorp
Classification: Uncertain significance. Last evaluated: 2025-02-17. Review status: criteria provided, single submitter. Criteria: LabCorp Variant Classification Summary - May 2015. Collection method: clinical testing. Allele origin: germline.
Comment: Variant summary: BRCA2 c.1096T>G (p.Leu366Val) results in a conservative amino acid change in the encoded protein sequence. Four of five in-silico tools predict a benign effect of the variant on protein function. The variant allele was found at a frequency of 2.8e-05 in 249022 control chromosomes. The available data on variant occurrences in the general population are insufficient to allow any conclusion about variant significance. c.1096T>G has been reported in the literature in individuals affected with breast and ovarian cancer (example, Velasco_2005, Thomassen_2011, Silva_2014, Caux-Montcoutier_2011, deOliveira_2022). These report(s) do not provide unequivocal conclusions about association of the variant with Hereditary Breast And Ovarian Cancer Syndrome. To our knowledge, no experimental evidence demonstrating an impact on protein function has been reported. The following publications have been ascertained in the context of this evaluation (PMID: 21120943, 24884479, 21769658, 15937982, 23893897, 35534704). ClinVar contains an entry for this variant (Variation ID: 89040). Based on the evidence outlined above, the variant was classified as uncertain significance.

Ambry Genetics
Classification: Uncertain significance for Hereditary cancer-predisposing syndrome. Last evaluated: 2024-10-16. Review status: criteria provided, single submitter. Criteria: Ambry Variant Classification Scheme 2023. Collection method: clinical testing. Allele origin: germline.
Comment: The p.L366V variant (also known as c.1096T>G), located in coding exon 9 of the BRCA2 gene, results from a T to G substitution at nucleotide position 1096. The leucine at codon 366 is replaced by valine, an amino acid with highly similar properties. This variant was also reported in 1/120 Brazilian breast cancer patients from HBOC families and was considered a variant of uncertain significance (Silva FC et al. BMC Med. Genet. 2014 May;15:55). This amino acid position is well conserved in available vertebrate species. In addition, this alteration is predicted to be tolerated by in silico analysis. Based on the available evidence, the clinical significance of this variant remains unclear.

Department of Pathology and Laboratory Medicine, Sinai Health System
Classification: Uncertain significance for BRCA2-related cancer predisposition. Last evaluated: 2024-07-24. Review status: criteria provided, single submitter. Criteria: ACMG Guidelines, 2015. Collection method: clinical testing. Allele origin: germline.

All of Us Research Program, National Institutes of Health
Classification: Uncertain significance for Breast-ovarian cancer, familial, susceptibility to, 2. Last evaluated: 2023-11-20. Review status: criteria provided, single submitter. Criteria: ACMG Guidelines, 2015. Collection method: clinical testing. Allele origin: germline. Inheritance: Autosomal dominant inheritance. Observed: 1 variant allele, 1 heterozygote.
Comment: This missense variant replaces leucine with valine at codon 366 of the BRCA2 protein. Computational prediction is inconclusive regarding the impact of this variant on protein structure and function (internally defined REVEL score threshold 0.5 < inconclusive < 0.7, PMID: 27666373). To our knowledge, functional studies have not been reported for this variant. This variant has been reported in individuals affected with breast/ovarian cancer (PMID: 15937982, 21120943, 21769658, 24884479) and in unaffected individuals (PMID: 33471991; Leiden Open Variation Database DB-ID BRCA2_002071). This variant has been reported in a multifactorial analysis with segregation, tumor pathology, and co-occurrence likelihood ratios for pathogenicity of 0.9391, 1.07, and 1.025, respectively (PMID: 31131967). This variant has been identified in 7/249022 chromosomes in the general population by the Genome Aggregation Database (gnomAD). The available evidence is insufficient to determine the role of this variant in disease conclusively. Therefore, this variant is classified as a Variant of Uncertain Significance.

This study involves interpretation of variants in research participants for the purpose of population health screening. Participant phenotype was not available at the time of variant classification. Additional details can be found in publication PMID: 35346344, PMCID: PMC8962531